The following is an entry in ClinVar:

NM_001271.4(CHD2):c.522dup (p.Val175fs)

Gene: CHD2 (chromodomain helicase DNA binding protein 2; plus strand). Cytogenetic location: 15q26.1.
Variant type: Duplication.
Coding change: c.522dup on transcript NM_001271.4 (MANE Select); coding-DNA position 522, one base duplicated (A; older notation c.522dupA).
Protein change: p.Val175fs; shifts the reading frame from valine 175.
Molecular consequence: frameshift variant.
Genome position (GRCh38, 1-based): chr15:92,937,596, A duplicated; the last of 8 consecutive A bases (chr15:92,937,589-92,937,596); duplicating any one gives the same sequence. VCF-style (leftmost placement, unchanged base first): chr15-92937588-C-CA. GRCh37 (hg19) VCF-style: chr15-93480818-C-CA.
Other names: c.522dupA (NM_001271.3); c.522dup (NM_001271.3); c.522dup, p.Val175fs (NM_001042572.3); short protein forms V175fs.
Identifiers: ClinVar variation 1746211 (VCV001746211.3), dbSNP rs748694853, ClinGen allele CA492494050.

ClinVar aggregate classification (germline): Pathogenic. Review status: criteria provided, multiple submitters, no conflicts (2 of 4 stars). 2 submissions from 2 submitters: Pathogenic (2). Last evaluated 2026-03-05.

Conditions:
Inborn genetic diseases. Identifiers: MedGen C0950123, MeSH D030342.

Submissions (2):

GeneDx
Classification: Pathogenic. Last evaluated: 2026-03-05. Review status: criteria provided, single submitter. Criteria: GeneDx Variant Classification Process June 2021. Collection method: clinical testing. Allele origin: germline.
Comment: Frameshift variant predicted to result in protein truncation or nonsense mediated decay in a gene for which loss of function is a known mechanism of disease; Not observed at significant frequency in large population cohorts (gnomAD); Has not been previously published as pathogenic or benign to our knowledge

Ambry Genetics
Classification: Pathogenic for Inborn genetic diseases. Last evaluated: 2017-10-03. Review status: criteria provided, single submitter. Criteria: Ambry Variant Classification Scheme 2023. Collection method: clinical testing. Allele origin: germline.
Comment: The c.522dupA pathogenic mutation, located in coding exon 5 of the CHD2 gene, results from a duplication of A at nucleotide position 522, causing a translational frameshift with a predicted alternate stop codon (p.V175Sfs*18). This alteration is expected to result in loss of function by premature protein truncation or nonsense-mediated mRNA decay. As such, this alteration is interpreted as a disease-causing mutation.